The following is an entry in ClinVar:

ClinVar aggregate classification (germline): Uncertain significance (1 of 4 stars; one submission).

Submission:

GeneDx
Classification: Uncertain significance. Last evaluated: 2025-02-26. Review status: criteria provided, single submitter. Criteria: GeneDx Variant Classification Process June 2021. Collection method: clinical testing. Allele origin: germline. Affected: yes.
Comment: Not observed at significant frequency in large population cohorts (gnomAD); In-frame duplication of 2 amino acid(s) in a repetitive region; Has not been previously published as pathogenic or benign to our knowledge

NM_020732.3:c.1023_1028dup

Gene: ARID1B (AT-rich interaction domain 1B; plus strand).
Variant type: Duplication.
Other names: c.1023_1028dup (NM_020732.3).
Identifiers: ClinVar variation 4077298 (VCV004077298.1).